The following is an entry in ClinVar:

NM_000548.5(TSC2):c.5413G>T (p.Glu1805Ter)

Gene: TSC2 (TSC complex subunit 2; plus strand). Cytogenetic location: 16p13.3.
Variant type: single nucleotide variant.
Coding change: c.5413G>T on transcript NM_000548.5 (MANE Select); coding-DNA position 5413, G replaced by T.
Protein change: p.Glu1805Ter; replaces glutamic acid 1805 with a stop codon.
Molecular consequence: nonsense. On other transcripts: non-coding transcript variant (5).
Genome position (GRCh38, 1-based): chr16:2,088,599, G>T. VCF-style: chr16-2088599-G-T. GRCh37 (hg19) VCF-style: chr16-2138600-G-T.
Other names: c.5212G>T, p.Glu1738Ter (NM_001077183.3); c.5344G>T, p.Glu1782Ter (NM_001114382.3); c.5104G>T, p.Glu1702Ter (NM_001318827.2); c.5068G>T, p.Glu1690Ter (NM_001318829.2); c.4681G>T, p.Glu1561Ter (NM_001318831.2); c.5245G>T, p.Glu1749Ter (NM_001318832.2); c.5215G>T, p.Glu1739Ter (NM_001363528.2); c.5281G>T, p.Glu1761Ter (NM_001370404.1); and 27 more; short protein forms E1204*, E1582*, E1690*, E1719*, E1732*, E1733*, E1745*, E1781*.
Identifiers: ClinVar variation 2626437 (VCV002626437.5), dbSNP rs376017665, ClinGen allele CA394316257.
Genomic context (GRCh38, chr16:2,088,599, plus strand): 5'-ACACCTGGCTATGAGGTGGGCCAGCGGAAGCGCCTCATCTCCTCGGTGGAGGACTTCACC[G>T]AGTTTGTGTGAGGCCGGGGCCCTCCCTCCTGCACTGGCCTTGGACGGTATTGCCTGTCAG-3'

ClinVar aggregate classification (germline): Uncertain significance. Review status: criteria provided, multiple submitters, no conflicts (2 of 4 stars). 2 submissions from 2 submitters: Uncertain significance (2). Last evaluated 2023-08-22.

Conditions:
Tuberous sclerosis 2 (TSC2). Identifiers: Orphanet 805, MedGen C1860707, MONDO:0013199, OMIM 613254.
Hereditary cancer-predisposing syndrome. Also called: Tumor predisposition; Neoplastic Syndromes, Hereditary; Hereditary Cancer Syndrome; Hereditary neoplastic syndrome. Identifiers: Orphanet 140162, MedGen C0027672, MeSH D009386, MONDO:0015356.

Submissions (2):

Ambry Genetics
Classification: Uncertain significance for Hereditary cancer-predisposing syndrome. Last evaluated: 2023-08-22. Review status: criteria provided, single submitter. Criteria: Ambry Variant Classification Scheme 2023. Collection method: clinical testing. Allele origin: germline.
Comment: The p.E1805* variant (also known as c.5413G>T), located in coding exon 41 of the TSC2 gene, results from a G to T substitution at nucleotide position 5413. This changes the amino acid from a glutamic acid to a stop codon within coding exon 41. This alteration occurs at the 3' terminus of theTSC2 gene, is not expected to trigger nonsense-mediated mRNAdecay, and only impacts the last three amino acids of the protein. The exact functional effect of this alteration is unknown. Since supporting evidence is limited at this time, the clinical significance of this alteration remains unclear.

Labcorp Genetics (formerly Invitae), Labcorp
Classification: Uncertain significance for Tuberous sclerosis 2. Last evaluated: 2023-04-12. Review status: criteria provided, single submitter. Criteria: Invitae Variant Classification Sherloc (09022015). Collection method: clinical testing. Allele origin: germline.
Comment: This variant has not been reported in the literature in individuals affected with TSC2-related conditions. In summary, the available evidence is currently insufficient to determine the role of this variant in disease. Therefore, it has been classified as a Variant of Uncertain Significance. This variant is not present in population databases (gnomAD no frequency). This sequence change creates a premature translational stop signal (p.Glu1805*) in the TSC2 gene. While this is not anticipated to result in nonsense mediated decay, it is expected to disrupt the last 3 amino acid(s) of the TSC2 protein.